The following is an entry in ClinVar:

NM_014915.3(ANKRD26):c.775C>T (p.Pro259Ser)

Gene: ANKRD26 (ankyrin repeat domain 26; minus strand). Cytogenetic location: 10p12.1.
Variant type: single nucleotide variant.
Coding change: c.775C>T on transcript NM_014915.3 (MANE Select); coding-DNA position 775, C replaced by T.
Protein change: p.Pro259Ser; replaces proline 259 with serine.
Molecular consequence: missense variant.
Genome position (GRCh38, 1-based): chr10:27,079,127, G>A on the plus strand (C>T on the coding strand, the complement: ANKRD26 is on the minus strand). VCF-style: chr10-27079127-G-A. GRCh37 (hg19) VCF-style: chr10-27368056-G-A.
Other names: c.775C>T, p.Pro259Ser (NM_001256053.2); short protein forms P259S.
Identifiers: ClinVar variation 4842355 (VCV004842355.1).

ClinVar aggregate classification (germline): Uncertain significance (1 of 4 stars; one submission).

Conditions:
Inborn genetic diseases. Identifiers: MedGen C0950123, MeSH D030342.

Submission:

Ambry Genetics
Classification: Uncertain significance for Inborn genetic diseases. Last evaluated: 2025-12-29. Review status: criteria provided, single submitter. Criteria: Ambry Variant Classification Scheme 2023. Collection method: clinical testing. Allele origin: germline.
Comment: The p.P259S variant (also known as c.775C>T), located in coding exon 7 of the ANKRD26 gene, results from a C to T substitution at nucleotide position 775. The proline at codon 259 is replaced by serine, an amino acid with similar properties. This amino acid position is conserved. In addition, this alteration is predicted to be tolerated by in silico analysis. Based on the available evidence, the clinical significance of this variant remains unclear.